The following is an entry in ClinVar:

ClinVar aggregate classification (germline): Pathogenic. Review status: criteria provided, multiple submitters, no conflicts (2 of 4 stars). 3 submissions from 3 submitters: Pathogenic (3). Last evaluated 2023-05-31.

Conditions:
DYRK1A-related intellectual disability syndrome (MRD7). Also called: DYRK1A Syndrome; Intellectual developmental disorder, autosomal dominant 7. Identifiers: Orphanet 464306, MedGen C5568143, MONDO:0013578, OMIM 614104.

Submissions (3):

Labcorp Genetics (formerly Invitae), Labcorp
Classification: Pathogenic for DYRK1A-related intellectual disability syndrome. Last evaluated: 2023-05-31. Review status: criteria provided, single submitter. Criteria: Invitae Variant Classification Sherloc (09022015). Collection method: clinical testing. Allele origin: germline.
Comment: For these reasons, this variant has been classified as Pathogenic. Algorithms developed to predict the effect of sequence changes on RNA splicing suggest that this variant may disrupt the consensus splice site. ClinVar contains an entry for this variant (Variation ID: 620200). This variant has not been reported in the literature in individuals affected with DYRK1A-related conditions. This variant is not present in population databases (gnomAD no frequency). This sequence change creates a premature translational stop signal (p.Gln469*) in the DYRK1A gene. It is expected to result in an absent or disrupted protein product. Loss-of-function variants in DYRK1A are known to be pathogenic (PMID: 25944381).

Institute of Human Genetics Munich, TUM University Hospital
Classification: Pathogenic for DYRK1A-related intellectual disability syndrome. Last evaluated: 2020-03-13. Review status: criteria provided, single submitter. Criteria: Classification criteria August 2017. Collection method: clinical testing. Allele origin: de novo. Inheritance: Autosomal dominant inheritance. Affected: yes. Observed: 1 heterozygote.

GeneDx
Classification: Pathogenic. Last evaluated: 2018-05-23. Review status: criteria provided, single submitter. Criteria: GeneDx Variant Classification (06012015). Collection method: clinical testing. Allele origin: germline. Affected: yes.
Comment: The Q469X variant in the DYRK1A gene has not been reported previously as a pathogenic variant nor as a benign variant, to our knowledge. This variant is predicted to cause loss of normal protein function either through protein truncation or nonsense-mediated mRNA decay. The Q469X variant is not observed in large population cohorts (Lek et al., 2016). We interpret Q469X as a pathogenic variant.

Literature cited by the submitters: PubMed 25944381 (cited by Labcorp Genetics (formerly Invitae), Labcorp).

NM_001347721.2(DYRK1A):c.1378C>T (p.Gln460Ter)

Gene: DYRK1A (dual specificity tyrosine phosphorylation regulated kinase 1A; plus strand). Cytogenetic location: 21q22.13.
Variant type: single nucleotide variant.
Coding change: c.1378C>T on transcript NM_001347721.2 (MANE Select); coding-DNA position 1378, C replaced by T.
Protein change: p.Gln460Ter; replaces glutamine 460 with a stop codon.
Molecular consequence: nonsense.
Genome position (GRCh38, 1-based): chr21:37,505,448, C>T. VCF-style: chr21-37505448-C-T. GRCh37 (hg19) VCF-style: chr21-38877751-C-T.
Other names: c.1405C>T, p.Gln469Ter (NM_001396.5, NM_101395.2, NM_130438.2); c.1378C>T, p.Gln460Ter (NM_130436.2, NM_001347722.2); c.1291C>T, p.Gln431Ter (NM_001347723.2); short protein forms Q469*, Q460*, Q431*.
Identifiers: ClinVar variation 620200 (VCV000620200.7), dbSNP rs1555990955, ClinGen allele CA409938451.